The following is an entry in ClinVar:

NM_001349253.2(SCN11A):c.1201A>G (p.Met401Val)

Gene: SCN11A (sodium voltage-gated channel alpha subunit 11; minus strand). Cytogenetic location: 3p22.2.
Variant type: single nucleotide variant.
Coding change: c.1201A>G on transcript NM_001349253.2 (MANE Select); coding-DNA position 1201, A replaced by G.
Protein change: p.Met401Val; replaces methionine 401 with valine.
Molecular consequence: missense variant.
Genome position (GRCh38, 1-based): chr3:38,909,095, T>C on the plus strand (A>G on the coding strand, the complement: SCN11A is on the minus strand). VCF-style: chr3-38909095-T-C. GRCh37 (hg19) VCF-style: chr3-38950586-T-C.
Other names: c.1201A>G, p.Met401Val (NM_014139.3); short protein forms M401V.
Identifiers: ClinVar variation 1357660 (VCV001357660.6), dbSNP rs201229760, ClinGen allele CA2322379.

ClinVar aggregate classification (germline): Uncertain significance (1 of 4 stars; one submission).

Conditions:
Hereditary sensory and autonomic neuropathy type 7. Also called: HSAN VII; Neuropathy, hereditary sensory and autonomic, type VII. Identifiers: Orphanet 391397, MedGen C3809882, MONDO:0014244, OMIM 615548.
Familial episodic pain syndrome with predominantly lower limb involvement. Also called: Episodic pain syndrome, familial, 3. Identifiers: Orphanet 391384, Orphanet 391392, MedGen C3809899, MONDO:0014247, OMIM 615552.

Allele frequency attached by ClinVar (database versions not stated): gnomAD 0.00002 and 0.00006; TOPMed 0.00002; 1000 Genomes Project 0.00100; gnomAD exomes 0.00003 and 0.00007; ExAC 0.00006; 1000 Genomes Project 30x 0.00094.
gnomAD v4.1: 57 of 1,614,096 alleles (0.0035%); highest among the groups gnomAD compares: East Asian, 0.031%; no homozygotes.

Submission:

Labcorp Genetics (formerly Invitae), Labcorp
Classification: Uncertain significance for Familial episodic pain syndrome with predominantly lower limb involvement; Hereditary sensory and autonomic neuropathy type 7. Last evaluated: 2026-01-11. Review status: criteria provided, single submitter. Criteria: Invitae Variant Classification Sherloc (09022015). Collection method: clinical testing. Allele origin: germline.
Comment: This sequence change replaces methionine, which is neutral and non-polar, with valine, which is neutral and non-polar, at codon 401 of the SCN11A protein (p.Met401Val). This variant is present in population databases (rs201229760, gnomAD 0.04%), and has an allele count higher than expected for a pathogenic variant. This variant has not been reported in the literature in individuals affected with SCN11A-related conditions. ClinVar contains an entry for this variant (Variation ID: 1357660). Invitae Evidence Modeling of protein sequence and biophysical properties (such as structural, functional, and spatial information, amino acid conservation, physicochemical variation, residue mobility, and thermodynamic stability) indicates that this missense variant is expected to disrupt SCN11A protein function with a positive predictive value of 80%. In summary, the available evidence is currently insufficient to determine the role of this variant in disease. Therefore, it has been classified as a Variant of Uncertain Significance.